The following is an entry in ClinVar:

NM_006735.4(HOXA2):c.271C>T (p.Gln91Ter)

Gene: HOXA2 (homeobox A2; minus strand). Cytogenetic location: 7p15.2.
Variant type: single nucleotide variant.
Coding change: c.271C>T on transcript NM_006735.4 (MANE Select); coding-DNA position 271, C replaced by T.
Protein change: p.Gln91Ter; replaces glutamine 91 with a stop codon.
Molecular consequence: nonsense.
Genome position (GRCh38, 1-based): chr7:27,102,230, G>A on the plus strand (C>T on the coding strand, the complement: HOXA2 is on the minus strand). VCF-style: chr7-27102230-G-A. GRCh37 (hg19) VCF-style: chr7-27141849-G-A.
Other names: short protein forms Q91*.
Identifiers: ClinVar variation 3357785 (VCV003357785.1).

ClinVar aggregate classification (germline): Likely pathogenic (0 of 4 stars; one submission).

Conditions:
HOXA2-related disorder. Also called: HOXA2-related condition.

Submission:

PreventionGenetics, part of Exact Sciences
Classification: Likely pathogenic for HOXA2-related condition. Last evaluated: 2024-05-31. Review status: no assertion criteria provided. Collection method: clinical testing. Allele origin: germline.
Comment: The HOXA2 c.271C>T variant is predicted to result in premature protein termination (p.Gln91*). To our knowledge, this variant has not been reported in the literature or in a large population database, indicating this variant is rare. Nonsense variants in HOXA2 are expected to be pathogenic. This variant is interpreted as likely pathogenic.